The following is an entry in ClinVar:

NM_001009999.3(KDM1A):c.1852C>T (p.Arg618Cys)

Gene: KDM1A (lysine demethylase 1A; plus strand). Cytogenetic location: 1p36.12.
Variant type: single nucleotide variant.
Coding change: c.1852C>T on transcript NM_001009999.3 (MANE Select); coding-DNA position 1852, C replaced by T.
Protein change: p.Arg618Cys; replaces arginine 618 with cysteine.
Molecular consequence: missense variant.
Genome position (GRCh38, 1-based): chr1:23,077,345, C>T. VCF-style: chr1-23077345-C-T. GRCh37 (hg19) VCF-style: chr1-23403838-C-T.
Other names: c.1798C>T, p.Arg600Cys (NM_001363654.2); c.1858C>T, p.Arg620Cys (NM_001410762.1); c.1780C>T, p.Arg594Cys (NM_001410763.1, NM_015013.4); short protein forms R600C, R594C, R620C, R618C.
Identifiers: ClinVar variation 3863235 (VCV003863235.1).

ClinVar aggregate classification (germline): Uncertain significance (1 of 4 stars; one submission).

Conditions:
Inborn genetic diseases. Identifiers: MedGen C0950123, MeSH D030342.

gnomAD v4.1: 3 of 1,612,494 alleles (0.00019%); highest among the groups gnomAD compares: Non-Finnish European, 0.00025%; no homozygotes.

Submission:

Ambry Genetics
Classification: Uncertain significance for Inborn genetic diseases. Last evaluated: 2024-12-27. Review status: criteria provided, single submitter. Criteria: Ambry Variant Classification Scheme 2023. Collection method: clinical testing. Allele origin: germline.
Comment: The p.R618C variant (also known as c.1852C>T), located in coding exon 16 of the KDM1A gene, results from a C to T substitution at nucleotide position 1852. The arginine at codon 618 is replaced by cysteine, an amino acid with highly dissimilar properties. This amino acid position is conserved. In addition, this alteration is predicted to be deleterious by in silico analysis. Based on the available evidence, the clinical significance of this variant remains unclear.